The following is an entry in ClinVar:

ClinVar aggregate classification (germline): Benign/Likely benign. Review status: criteria provided, multiple submitters, no conflicts (2 of 4 stars). 26 submissions from 19 submitters: Benign (15); Likely benign (7). 4 of the submissions do not count toward it. Last evaluated 2026-09-01.

Conditions:
Dilated cardiomyopathy 1G (CMD1G). Identifiers: Orphanet 154, MedGen C1858763, MONDO:0011400, OMIM 604145.
Autosomal recessive limb-girdle muscular dystrophy type 2J (LGMDR10). Also called: MUSCULAR DYSTROPHY, LIMB-GIRDLE, AUTOSOMAL RECESSIVE 10; Limb-girdle muscular dystrophy, type 2J. Identifiers: Orphanet 140922, MedGen C1837342, MONDO:0012127, OMIM 608807.
Cardiovascular phenotype. Identifiers: MedGen CN230736.
Cardiomyopathy (CMYO). Also called: Cardiomyopathies. Identifiers: Orphanet 167848, MedGen C0878544, MONDO:0004994, HP:0001638. Inheritance: Various modes of inheritance.
Early-onset myopathy with fatal cardiomyopathy (CMYO5). Also called: CONGENITAL MYOPATHY 5 WITH CARDIOMYOPATHY; Salih Myopathy. Identifiers: Orphanet 289377, MedGen C2673677, MONDO:0012714, OMIM 611705. Disease mechanism: loss of function.
Myopathy, myofibrillar, 9, with early respiratory failure (MFM9). Also called: Myopathy, distal, with early respiratory failure, autosomal dominant; Hereditary myopathy with early respiratory failure; MYOPATHY, PROXIMAL, WITH EARLY RESPIRATORY MUSCLE INVOLVEMENT; EDSTROM MYOPATHY. Identifiers: Orphanet 178464, Orphanet 34521, MedGen C1863599, MONDO:0011362, OMIM 603689.
Tibial muscular dystrophy (TMD). Also called: Udd Distal Myopathy – Tibial Muscular Dystrophy; Tibial muscular dystrophy, tardive; UDD MYOPATHY. Identifiers: Orphanet 609, MedGen C1838244, MONDO:0010870, OMIM 600334.

Allele frequency attached by ClinVar (database versions not stated): 1000 Genomes Project 30x 0.00265; TOPMed 0.00163; ESP Exome Variant Server 0.00259; 1000 Genomes Project 0.00280.
gnomAD v4.1: 5,779 of 1,613,576 alleles (0.36%); highest among the groups gnomAD compares: South Asian, 1.4%; 43 homozygotes.

Submissions (26):

CeGaT Center for Human Genetics Tuebingen
Classification: Benign. Last evaluated: 2026-09-01. Review status: criteria provided, single submitter. Criteria: CeGaT Center For Human Genetics Tuebingen Variant Classification Criteria Version 2. Collection method: clinical testing. Allele origin: germline. Affected: yes. Observed: 29 variant alleles.
Comment: TTN: BP4, BP7, BS1, BS2

Labcorp Genetics (formerly Invitae), Labcorp
Classification: Benign for Dilated cardiomyopathy 1G; Autosomal recessive limb-girdle muscular dystrophy type 2J. Last evaluated: 2026-02-04. Review status: criteria provided, single submitter. Criteria: Invitae Variant Classification Sherloc (09022015). Collection method: clinical testing. Allele origin: germline.

Molecular Diagnostic Laboratory for Inherited Cardiovascular Disease, Montreal Heart Institute
Classification: Likely benign. Last evaluated: 2025-04-09. Review status: criteria provided, single submitter. Criteria: ACMG Guidelines, 2015. Collection method: clinical testing. Allele origin: germline. Affected: no.

Blueprint Genetics
Classification: Likely benign. Last evaluated: 2024-11-26. Review status: criteria provided, single submitter. Criteria: ACMG Guidelines, 2015. Collection method: clinical testing. Allele origin: germline.

ARUP Laboratories, Molecular Genetics and Genomics, ARUP Laboratories
Classification: Benign. Last evaluated: 2023-09-22. Review status: criteria provided, single submitter. Criteria: ARUP Molecular Germline Variant Investigation Process 2024. Collection method: clinical testing. Allele origin: germline.

Mayo Clinic Laboratories, Mayo Clinic
Classification: Benign. Last evaluated: 2023-06-08. Review status: criteria provided, single submitter. Criteria: ACMG Guidelines, 2015. Collection method: clinical testing. Allele origin: germline. Observed: 13 variant alleles.
Comment: BS1, BS2, BP4, BP7

Genome-Nilou Lab
Classification: Benign for Autosomal recessive limb-girdle muscular dystrophy type 2J. Last evaluated: 2021-09-10. Review status: criteria provided, single submitter. Criteria: ACMG Guidelines, 2015. Collection method: clinical testing. Allele origin: germline. Affected: no.

Genome-Nilou Lab
Classification: Benign for Myopathy, myofibrillar, 9, with early respiratory failure. Last evaluated: 2021-09-10. Review status: criteria provided, single submitter. Criteria: ACMG Guidelines, 2015. Collection method: clinical testing. Allele origin: germline. Affected: no.

Genome-Nilou Lab
Classification: Benign for Early-onset myopathy with fatal cardiomyopathy. Last evaluated: 2021-09-10. Review status: criteria provided, single submitter. Criteria: ACMG Guidelines, 2015. Collection method: clinical testing. Allele origin: germline. Affected: no.

Genome-Nilou Lab
Classification: Benign for Tibial muscular dystrophy. Last evaluated: 2021-09-10. Review status: criteria provided, single submitter. Criteria: ACMG Guidelines, 2015. Collection method: clinical testing. Allele origin: germline. Affected: no.

Women's Health and Genetics/Laboratory Corporation of America, LabCorp
Classification: Benign. Last evaluated: 2020-08-01. Review status: criteria provided, single submitter. Criteria: LabCorp Variant Classification Summary - May 2015. Collection method: clinical testing. Allele origin: germline.

Illumina Laboratory Services, Illumina
Classification: Likely benign for Early-onset myopathy with fatal cardiomyopathy. Last evaluated: 2018-01-12. Review status: criteria provided, single submitter. Criteria: ICSL Variant Classification Criteria 13 December 2019. Collection method: clinical testing. Allele origin: germline.
Comment: This variant was observed in the ICSL laboratory as part of a predisposition screen in an ostensibly healthy population. It had not been previously curated by ICSL or reported in the Human Gene Mutation Database (HGMD: prior to June 1st, 2018), and was therefore a candidate for classification through an automated scoring system. Utilizing variant allele frequency, disease prevalence and penetrance estimates, and inheritance mode, an automated score was calculated to assess if this variant is too frequent to cause the disease. Based on the score and internal cut-off values, a variant classified as likely benign is not then subjected to further curation. The score for this variant resulted in a classification of likely benign for this disease.

Illumina Laboratory Services, Illumina
Classification: Benign for Myopathy, myofibrillar, 9, with early respiratory failure. Last evaluated: 2018-01-12. Review status: criteria provided, single submitter. Criteria: ICSL Variant Classification Criteria 13 December 2019. Collection method: clinical testing. Allele origin: germline.
Comment: This variant was observed in the ICSL laboratory as part of a predisposition screen in an ostensibly healthy population. It had not been previously curated by ICSL or reported in the Human Gene Mutation Database (HGMD: prior to June 1st, 2018), and was therefore a candidate for classification through an automated scoring system. Utilizing variant allele frequency, disease prevalence and penetrance estimates, and inheritance mode, an automated score was calculated to assess if this variant is too frequent to cause the disease. Based on the score and internal cut-off values, a variant classified as benign is not then subjected to further curation. The score for this variant resulted in a classification of benign for this disease.

Illumina Laboratory Services, Illumina
Classification: Benign for Tibial muscular dystrophy. Last evaluated: 2018-01-12. Review status: criteria provided, single submitter. Criteria: ICSL Variant Classification Criteria 13 December 2019. Collection method: clinical testing. Allele origin: germline.
Comment: the same text as in the submission from Illumina Laboratory Services, Illumina above.

Illumina Laboratory Services, Illumina
Classification: Likely benign for Dilated cardiomyopathy 1G. Last evaluated: 2018-01-12. Review status: criteria provided, single submitter. Criteria: ICSL Variant Classification Criteria 13 December 2019. Collection method: clinical testing. Allele origin: germline.
Comment: the same text as in the submission from Illumina Laboratory Services, Illumina above.

Illumina Laboratory Services, Illumina
Classification: Likely benign for Autosomal recessive limb-girdle muscular dystrophy type 2J. Last evaluated: 2018-01-12. Review status: criteria provided, single submitter. Criteria: ICSL Variant Classification Criteria 13 December 2019. Collection method: clinical testing. Allele origin: germline.
Comment: the same text as in the submission from Illumina Laboratory Services, Illumina above.

CHEO Genetics Diagnostic Laboratory, Children's Hospital of Eastern Ontario
Classification: Benign for Cardiomyopathy. Last evaluated: 2017-11-03. Review status: criteria provided, single submitter. Criteria: ACMG Guidelines, 2015. Collection method: clinical testing. Allele origin: germline.

Eurofins Ntd Llc (ga)
Classification: Benign. Last evaluated: 2015-07-20. Review status: criteria provided, single submitter. Criteria: EGL Classification Definitions 2015. Collection method: clinical testing. Allele origin: germline. Observed: 1 variant allele, 1 heterozygote.

GeneDx
Classification: Benign. Last evaluated: 2014-01-30. Review status: criteria provided, single submitter. Criteria: GeneDx Variant Classification (06012015). Collection method: clinical testing. Allele origin: germline. Affected: yes.
Comment: This variant is considered likely benign or benign based on one or more of the following criteria: it is a conservative change, it occurs at a poorly conserved position in the protein, it is predicted to be benign by multiple in silico algorithms, and/or has population frequency not consistent with disease.

Ambry Genetics
Classification: Likely benign for Cardiovascular phenotype. Last evaluated: 2013-03-21. Review status: criteria provided, single submitter. Criteria: Ambry Autosomal Dominant and X-Linked criteria (10/2015). Collection method: clinical testing. Allele origin: germline. Observed: 1 variant allele.

Laboratory for Molecular Medicine, Mass General Brigham Personalized Medicine
Classification: Benign. Last evaluated: 2012-03-19. Review status: criteria provided, single submitter. Criteria: LMM Criteria. Collection method: clinical testing. Allele origin: germline. Observed: 17 variant alleles.
Comment: p.Ala6707Ala in Exon 79 of TTN: This variant is not expected to have clinical si gnificance because it does not alter an amino acid residue, is not located withi n the splice consensus sequence and has been identified in 0.4% (24/6622) of Eur opean American chromosomes from a broad population by the NHLBI Exome Sequencing Project.

Breakthrough Genomics
Classification: Likely benign. Review status: criteria provided, single submitter. Criteria: ACMG Guidelines, 2015. Collection method: not provided. Allele origin: germline. Inheritance: Autosomal recessive inheritance. Affected: yes.

Clinical Genetics DNA and cytogenetics Diagnostics Lab, Erasmus MC, Erasmus Medical Center
Classification: Benign. Review status: no assertion criteria provided. Collection method: clinical testing. Allele origin: germline. Affected: yes. Study: VKGL Data-share Consensus. Not counted in ClinVar's aggregate classification.

Clinical Genetics, Academic Medical Center
Classification: Benign. Review status: no assertion criteria provided. Collection method: clinical testing. Allele origin: germline. Affected: yes. Study: VKGL Data-share Consensus. Not counted in ClinVar's aggregate classification.

Genome Diagnostics Laboratory, University Medical Center Utrecht
Classification: Benign. Review status: no assertion criteria provided. Collection method: clinical testing. Allele origin: germline. Affected: yes. Study: VKGL Data-share Consensus. Not counted in ClinVar's aggregate classification.

Joint Genome Diagnostic Labs from Nijmegen and Maastricht, Radboudumc and MUMC+
Classification: Benign. Review status: no assertion criteria provided. Collection method: clinical testing. Allele origin: germline. Affected: yes. Study: VKGL Data-share Consensus. Not counted in ClinVar's aggregate classification.

NM_001267550.2(TTN):c.23853C>A (p.Ala7951=)

Gene: TTN (titin; minus strand). Cytogenetic location: 2q31.2.
Variant type: single nucleotide variant.
Coding change: c.23853C>A on transcript NM_001267550.2 (MANE Select); coding-DNA position 23853, C replaced by A.
Protein change: p.Ala7951=; no amino-acid change (alanine 7951 retained).
Molecular consequence: synonymous variant. On other transcripts: intron variant (3).
Genome position (GRCh38, 1-based): chr2:178,719,639, G>T on the plus strand (C>A on the coding strand, the complement: TTN is on the minus strand). VCF-style: chr2-178719639-G-T. GRCh37 (hg19) VCF-style: chr2-179584366-G-T.
Other names: p.A7634A:GCC>GCA; p.Ala7634=; c.22902C>A, p.Ala7634= (NM_001256850.1); c.20121C>A, p.Ala6707= (NM_133378.4); c.13282+18443C>A (NM_003319.4); c.13858+18443C>A (NM_133437.4); c.13657+18443C>A (NM_133432.3).
Identifiers: ClinVar variation 46722 (VCV000046722.69), dbSNP rs201766927, ClinGen allele CA223895.